The following is an entry in ClinVar:

ClinVar aggregate classification (germline): Likely benign (1 of 4 stars; one submission).

Allele frequency attached by ClinVar (database versions not stated): gnomAD exomes below 0.00001.
gnomAD v4.1: 1 of 1,613,578 alleles (0.000062%); no homozygotes.

Submission:

CeGaT Center for Human Genetics Tuebingen
Classification: Likely benign. Last evaluated: 2023-06-01. Review status: criteria provided, single submitter. Criteria: CeGaT Center For Human Genetics Tuebingen Variant Classification Criteria Version 2. Collection method: clinical testing. Allele origin: germline. Affected: yes. Observed: 1 variant allele.
Comment: CHD3: BP4, BP7

NM_001005273.3(CHD3):c.1908C>T (p.Ile636=)

Gene: CHD3 (chromodomain helicase DNA binding protein 3; plus strand). Cytogenetic location: 17p13.1.
Variant type: single nucleotide variant.
Coding change: c.1908C>T on transcript NM_001005273.3 (MANE Select); coding-DNA position 1908, C replaced by T.
Protein change: p.Ile636=; no amino-acid change (isoleucine 636 retained).
Molecular consequence: synonymous variant.
Genome position (GRCh38, 1-based): chr17:7,897,283, C>T. VCF-style: chr17-7897283-C-T. GRCh37 (hg19) VCF-style: chr17-7800601-C-T.
Other names: c.2085C>T, p.Ile695= (NM_001005271.3); c.1908C>T, p.Ile636= (NM_005852.4).
Identifiers: ClinVar variation 2647427 (VCV002647427.24), dbSNP rs1266143076, ClinGen allele CA497746480.